The following is an entry in ClinVar:

ClinVar aggregate classification (germline): Likely benign. Review status: criteria provided, single submitter (1 of 4 stars). 2 submissions from 2 submitters: Likely benign (1). 1 of the submissions does not count toward it. Last evaluated 2024-07-04.

Conditions:
ADK-related disorder. Also called: ADK-related condition.

Allele frequency attached by ClinVar (database versions not stated): gnomAD exomes 0.00001; ExAC 0.00002; gnomAD 0.00006; TOPMed 0.00009; 1000 Genomes Project 30x 0.00016; 1000 Genomes Project 0.00020.
gnomAD v4.1: 23 of 1,613,368 alleles (0.0014%); highest among the groups gnomAD compares: Admixed American, 0.025%; no homozygotes.

Submissions (2):

Labcorp Genetics (formerly Invitae), Labcorp
Classification: Likely benign. Last evaluated: 2024-07-04. Review status: criteria provided, single submitter. Criteria: Invitae Variant Classification Sherloc (09022015). Collection method: clinical testing. Allele origin: germline.

PreventionGenetics, part of Exact Sciences
Classification: Likely benign for ADK-related condition. Last evaluated: 2022-08-09. Review status: no assertion criteria provided. Collection method: clinical testing. Allele origin: germline. Not counted in ClinVar's aggregate classification.
Comment: This variant is classified as likely benign based on ACMG/AMP sequence variant interpretation guidelines (Richards et al. 2015 PMID: 25741868, with internal and published modifications).

NM_006721.4(ADK):c.556-6A>G

Genes: ADK (adenosine kinase; plus strand), ADK-AS1 (ADK antisense RNA 1; minus strand). Cytogenetic location: 10q22.2.
Variant type: single nucleotide variant.
Coding change: c.556-6A>G on transcript NM_006721.4 (MANE Select); 6 bases into the intron before coding-DNA position 556, A replaced by G.
Molecular consequence: intron variant.
Genome position (GRCh38, 1-based): chr10:74,525,250, A>G. VCF-style: chr10-74525250-A-G. GRCh37 (hg19) VCF-style: chr10-76285008-A-G.
Other names: c.556-6A>G (NM_001369123.1, NM_006721.3); c.556-64032A>G (NM_001202450.2); c.505-6A>G (NM_001123.4); c.505-64032A>G (NM_001369124.1); c.451-6A>G (NM_001202449.2).
Identifiers: ClinVar variation 1594232 (VCV001594232.10), dbSNP rs561207313, ClinGen allele CA5563997.